The following is an entry in ClinVar:

NM_006361.6(HOXB13):c.561A>G (p.Glu187=)

Gene: HOXB13 (homeobox B13; minus strand). Cytogenetic location: 17q21.32.
Variant type: single nucleotide variant.
Coding change: c.561A>G on transcript NM_006361.6 (MANE Select); coding-DNA position 561, A replaced by G.
Protein change: p.Glu187=; no amino-acid change (glutamic acid 187 retained).
Molecular consequence: synonymous variant.
Genome position (GRCh38, 1-based): chr17:48,728,033, T>C on the plus strand (A>G on the coding strand, the complement: HOXB13 is on the minus strand). VCF-style: chr17-48728033-T-C. GRCh37 (hg19) VCF-style: chr17-46805395-T-C.
Identifiers: ClinVar variation 2855306 (VCV002855306.4), dbSNP rs1597933795, ClinGen allele CA500660817.

ClinVar aggregate classification (germline): Benign/Likely benign. Review status: criteria provided, multiple submitters, no conflicts (2 of 4 stars). 2 submissions from 2 submitters: Benign (1); Likely benign (1). Last evaluated 2025-11-10.

Conditions:
Prostate cancer, hereditary, 9 (HPC9). Identifiers: Orphanet 1331, MedGen C1970250, MONDO:0012597, OMIM 610997.

Submissions (2):

Labcorp Genetics (formerly Invitae), Labcorp
Classification: Likely benign. Last evaluated: 2025-11-10. Review status: criteria provided, single submitter. Criteria: Invitae Variant Classification Sherloc (09022015). Collection method: clinical testing. Allele origin: germline.

Myriad Genetics, Inc.
Classification: Benign for Prostate cancer, hereditary, 9. Last evaluated: 2024-10-30. Review status: criteria provided, single submitter. Criteria: Myriad Autosomal Dominant, Autosomal Recessive and X-Linked Classification Criteria (2023). Collection method: clinical testing. Allele origin: unknown.
Comment: This variant is considered benign. This variant is a silent/synonymous amino acid change and it is not expected to impact splicing.